The following is an entry in ClinVar:

ClinVar aggregate classification (germline): Uncertain significance (1 of 4 stars; one submission).

Conditions:
Inflammatory bowel disease 28. Also called: Inflammatory bowel disease 28, early onset, autosomal recessive. Identifiers: Orphanet 238569, MedGen C2751053, MONDO:0013153, OMIM 613148.

Submission:

Labcorp Genetics (formerly Invitae), Labcorp
Classification: Uncertain significance for Inflammatory bowel disease 28. Last evaluated: 2024-11-18. Review status: criteria provided, single submitter. Criteria: Invitae Variant Classification Sherloc (09022015). Collection method: clinical testing. Allele origin: germline.
Comment: This variant, c.559_579dup, results in the insertion of 7 amino acid(s) of the IL10RA protein (p.His187_Leu193dup), but otherwise preserves the integrity of the reading frame. This variant is present in population databases (rs781485945, gnomAD 0.02%). This variant has not been reported in the literature in individuals affected with IL10RA-related conditions. ClinVar contains an entry for this variant (Variation ID: 658648). Experimental studies and prediction algorithms are not available or were not evaluated, and the functional significance of this variant is currently unknown. In summary, the available evidence is currently insufficient to determine the role of this variant in disease. Therefore, it has been classified as a Variant of Uncertain Significance.

NM_001558.4(IL10RA):c.559_579dup (p.His187_Leu193dup)

Gene: IL10RA (interleukin 10 receptor subunit alpha; plus strand). Cytogenetic location: 11q23.3.
Variant type: Duplication.
Coding change: c.559_579dup on transcript NM_001558.4 (MANE Select); coding-DNA positions 559 to 579, 21 bases duplicated (CATGAAAACTTCAGCCTCCTA).
Protein change: p.His187_Leu193dup.
Molecular consequence: inframe insertion. On other transcripts: non-coding transcript variant (1).
Genome position (GRCh38, 1-based): chr11:117,994,020-117,994,040, CATGAAAACTTCAGCCTCCTA duplicated; duplicating any 21 consecutive bases within chr11:117,994,019-117,994,040 gives the same sequence; the c. name uses the placement nearest the transcript's 3' end. VCF-style (leftmost placement, unchanged base first): chr11-117994018-A-AACATGAAAACTTCAGCCTCCT. GRCh37 (hg19) VCF-style: chr11-117864733-A-AACATGAAAACTTCAGCCTCCT.
Other names: c.559_579dup21 (NM_001558.3).
Identifiers: ClinVar variation 658648 (VCV000658648.6), dbSNP rs781485945, ClinGen allele CA6298987.